The following is an entry in ClinVar:

NM_001083926.2(ASRGL1):c.76G>A (p.Gly26Ser)

Gene: ASRGL1 (asparaginase and isoaspartyl peptidase 1; plus strand). Cytogenetic location: 11q12.3.
Variant type: single nucleotide variant.
Coding change: c.76G>A on transcript NM_001083926.2 (MANE Select); coding-DNA position 76, G replaced by A.
Protein change: p.Gly26Ser; replaces glycine 26 with serine.
Molecular consequence: missense variant.
Genome position (GRCh38, 1-based): chr11:62,338,053, G>A. VCF-style: chr11-62338053-G-A. GRCh37 (hg19) VCF-style: chr11-62105525-G-A.
Other names: c.76G>A, p.Gly26Ser (NM_025080.4); short protein forms G26S.
Identifiers: ClinVar variation 1952128 (VCV001952128.5), dbSNP rs751865225, ClinGen allele CA6043081.

ClinVar aggregate classification (germline): Uncertain significance (1 of 4 stars; one submission).

gnomAD v4.1: 16 of 1,608,332 alleles (0.00099%); highest among the groups gnomAD compares: South Asian, 0.017%; no homozygotes.

Submission:

Labcorp Genetics (formerly Invitae), Labcorp
Classification: Uncertain significance. Last evaluated: 2022-02-18. Review status: criteria provided, single submitter. Criteria: Invitae Variant Classification Sherloc (09022015). Collection method: clinical testing. Allele origin: germline.
Comment: This variant is present in population databases (rs751865225, gnomAD 0.01%). This sequence change replaces glycine, which is neutral and non-polar, with serine, which is neutral and polar, at codon 26 of the ASRGL1 protein (p.Gly26Ser). This variant has not been reported in the literature in individuals affected with ASRGL1-related conditions. Algorithms developed to predict the effect of missense changes on protein structure and function (SIFT, PolyPhen-2, Align-GVGD) all suggest that this variant is likely to be disruptive. In summary, the available evidence is currently insufficient to determine the role of this variant in disease. Therefore, it has been classified as a Variant of Uncertain Significance.